The following is an entry in ClinVar:

NM_020937.4(FANCM):c.5060A>G (p.Asn1687Ser)

Gene: FANCM (FA complementation group M; plus strand). Cytogenetic location: 14q21.2.
Variant type: single nucleotide variant.
Coding change: c.5060A>G on transcript NM_020937.4 (MANE Select); coding-DNA position 5060, A replaced by G.
Protein change: p.Asn1687Ser; replaces asparagine 1687 with serine.
Molecular consequence: missense variant.
Genome position (GRCh38, 1-based): chr14:45,189,082, A>G. VCF-style: chr14-45189082-A-G. GRCh37 (hg19) VCF-style: chr14-45658285-A-G.
Other names: c.4982A>G, p.Asn1661Ser (NM_001308133.2); short protein forms N1661S, N1687S.
Identifiers: ClinVar variation 3361657 (VCV003361657.2).

ClinVar aggregate classification (germline): Conflicting classifications of pathogenicity. Review status: criteria provided, conflicting classifications (1 of 4 stars). 2 submissions from 2 submitters: Uncertain significance (1); Likely benign (1). Last evaluated 2025-08-29.

Conditions:
Inborn genetic diseases. Identifiers: MedGen C0950123, MeSH D030342.

Submissions (2):

Ambry Genetics
Classification: Likely benign for Inborn genetic diseases. Last evaluated: 2025-08-29. Review status: criteria provided, single submitter. Criteria: Ambry Variant Classification Scheme 2023. Collection method: clinical testing. Allele origin: germline.

GeneDx
Classification: Uncertain significance. Last evaluated: 2023-07-26. Review status: criteria provided, single submitter. Criteria: GeneDx Variant Classification Process June 2021. Collection method: clinical testing. Allele origin: germline. Affected: yes.
Comment: Not observed at significant frequency in large population cohorts (gnomAD); In silico analysis supports that this missense variant does not alter protein structure/function; Has not been previously published as pathogenic or benign to our knowledge